The following is an entry in ClinVar:

ClinVar aggregate classification (germline): Uncertain significance (1 of 4 stars; one submission).

Conditions:
Atrioventricular septal defect 5 (AVSD5). Identifiers: MedGen C3280939, MONDO:0013769, OMIM 614474.

Allele frequency attached by ClinVar (database versions not stated): TOPMed below 0.00001; gnomAD exomes 0.00001.
gnomAD v4.1: 3 of 1,612,992 alleles (0.00019%); highest among the groups gnomAD compares: Non-Finnish European, 0.00025%; no homozygotes.

Submission:

Labcorp Genetics (formerly Invitae), Labcorp
Classification: Uncertain significance for Atrioventricular septal defect 5. Last evaluated: 2022-09-16. Review status: criteria provided, single submitter. Criteria: Invitae Variant Classification Sherloc (09022015). Collection method: clinical testing. Allele origin: germline.
Comment: In summary, the available evidence is currently insufficient to determine the role of this variant in disease. Therefore, it has been classified as a Variant of Uncertain Significance. Algorithms developed to predict the effect of missense changes on protein structure and function (SIFT, PolyPhen-2, Align-GVGD) all suggest that this variant is likely to be tolerated. This variant has not been reported in the literature in individuals affected with GATA6-related conditions. This variant is not present in population databases (gnomAD no frequency). This sequence change replaces proline, which is neutral and non-polar, with alanine, which is neutral and non-polar, at codon 586 of the GATA6 protein (p.Pro586Ala).

NM_005257.6(GATA6):c.1756C>G (p.Pro586Ala)

Gene: GATA6 (GATA binding protein 6; plus strand). Cytogenetic location: 18q11.2.
Variant type: single nucleotide variant.
Coding change: c.1756C>G on transcript NM_005257.6 (MANE Select); coding-DNA position 1756, C replaced by G.
Protein change: p.Pro586Ala; replaces proline 586 with alanine.
Molecular consequence: missense variant.
Genome position (GRCh38, 1-based): chr18:22,200,791, C>G. VCF-style: chr18-22200791-C-G. GRCh37 (hg19) VCF-style: chr18-19780754-C-G.
Other names: short protein forms P586A.
Identifiers: ClinVar variation 2152575 (VCV002152575.4), dbSNP rs2033452440, ClinGen allele CA401803276.